The following is an entry in ClinVar:

NM_001875.5(CPS1):c.3903del (p.Pro1302fs)

Gene: CPS1 (carbamoyl-phosphate synthase 1; plus strand). Cytogenetic location: 2q34.
Variant type: Deletion.
Coding change: c.3903del on transcript NM_001875.5 (MANE Select); coding-DNA position 3903, one base deleted (T; older notation c.3903delT).
Protein change: p.Pro1302fs; shifts the reading frame from proline 1302.
Molecular consequence: frameshift variant. On other transcripts: non-coding transcript variant (2).
Genome position (GRCh38, 1-based): chr2:210,660,631, T deleted; the last of 2 consecutive T bases (chr2:210,660,630-210,660,631); deleting either gives the same sequence. VCF-style (leftmost placement, unchanged base first): chr2-210660629-AT-A. GRCh37 (hg19) VCF-style: chr2-211525353-AT-A.
Other names: c.3903delT (NM_001875.4); c.3903del, p.Pro1302fs (NM_001122633.3, NM_001369257.1); c.3936del, p.Pro1313fs (NM_001369256.1); short protein forms P1302fs, P1313fs.
Identifiers: ClinVar variation 852940 (VCV000852940.9), dbSNP rs1264586092, ClinGen allele CA539390388.

ClinVar aggregate classification (germline): Pathogenic/Likely pathogenic. Review status: criteria provided, multiple submitters, no conflicts (2 of 4 stars). 3 submissions from 3 submitters: Pathogenic (1); Likely pathogenic (2). Last evaluated 2025-08-14.

Conditions:
Pulmonary hypertension, neonatal, susceptibility to (PHN). Identifiers: MedGen C3714958, MONDO:0014151, OMIM 615371.
Congenital hyperammonemia, type I. Also called: Carbamoyl phosphate synthetase 1 deficiency; Hyperammonemia due to carbamoyl phosphate synthetase 1 deficiency; CPS 1 deficiency; Carbamyl phosphate synthetase (CPS) deficiency; CPS I DEFICIENCY; Carbamoyl-phosphate synthase I deficiency. Identifiers: Orphanet 147, MedGen C4082171, MONDO:0009376, OMIM 237300.

Submissions (3):

Natera, Inc.
Classification: Likely pathogenic for Carbamoyl-phosphate synthase I deficiency. Last evaluated: 2025-08-14. Review status: criteria provided, single submitter. Criteria: Natera Variant Classification Schema (03/2026). Collection method: clinical testing. Allele origin: germline.
Comment: The c.3903delT variant in CPS1 is a frameshift variant predicted to shift the reading frame beginning at codon 1302 and leads to a stop codon 17 codons downstream. This variant is expected to result in nonsense mediated decay, truncation, or a dysfunctional protein product. This variant is rare in the general population with a frequency below the threshold expected for the associated phenotype(s). Given the available evidence, this variant is classified as Likely Pathogenic.

Labcorp Genetics (formerly Invitae), Labcorp
Classification: Pathogenic for Congenital hyperammonemia, type I. Last evaluated: 2023-09-30. Review status: criteria provided, single submitter. Criteria: Invitae Variant Classification Sherloc (09022015). Collection method: clinical testing. Allele origin: germline.
Comment: For these reasons, this variant has been classified as Pathogenic. ClinVar contains an entry for this variant (Variation ID: 852940). This variant has not been reported in the literature in individuals affected with CPS1-related conditions. This variant is present in population databases (no rsID available, gnomAD 0.0009%). This sequence change creates a premature translational stop signal (p.Pro1302Leufs*17) in the CPS1 gene. It is expected to result in an absent or disrupted protein product. Loss-of-function variants in CPS1 are known to be pathogenic (PMID: 21120950).

Baylor Genetics
Classification: Likely pathogenic for Pulmonary hypertension, neonatal, susceptibility to. Last evaluated: 2021-11-18. Review status: criteria provided, single submitter. Criteria: ACMG Guidelines, 2015. Collection method: clinical testing. Allele origin: unknown.

Literature cited by the submitters: PubMed 21120950 (cited by Labcorp Genetics (formerly Invitae), Labcorp).